The following is an entry in ClinVar:

ClinVar aggregate classification (germline): Uncertain significance (1 of 4 stars; one submission).

Allele frequency attached by ClinVar (database versions not stated): gnomAD exomes below 0.00001 and 0.00001; gnomAD 0.00001; TOPMed 0.00001; ExAC 0.00003.
gnomAD v4.1: 4 of 1,528,700 alleles (0.00026%); highest among the groups gnomAD compares: Admixed American, 0.002%; no homozygotes.

Submission:

GeneDx
Classification: Uncertain significance. Last evaluated: 2019-09-19. Review status: criteria provided, single submitter. Criteria: GeneDx Variant Classification Process June 2021. Collection method: clinical testing. Allele origin: germline. Affected: yes.
Comment: In silico analysis, which includes protein predictors and evolutionary conservation, supports that this variant does not alter protein structure/function; Has not been previously published as pathogenic or benign to our knowledge

NM_013254.4(TBK1):c.109A>G (p.Ile37Val)

Gene: TBK1 (TANK binding kinase 1; plus strand). Cytogenetic location: 12q14.2.
Variant type: single nucleotide variant.
Coding change: c.109A>G on transcript NM_013254.4 (MANE Select); coding-DNA position 109, A replaced by G.
Protein change: p.Ile37Val; replaces isoleucine 37 with valine.
Molecular consequence: missense variant.
Genome position (GRCh38, 1-based): chr12:64,460,210, A>G. VCF-style: chr12-64460210-A-G. GRCh37 (hg19) VCF-style: chr12-64853990-A-G.
Other names: short protein forms I37V.
Identifiers: ClinVar variation 1315825 (VCV001315825.2), dbSNP rs780879936, ClinGen allele CA6668721.